The following is an entry in ClinVar:

NM_002907.4(RECQL):c.1474T>A (p.Tyr492Asn)

Gene: RECQL (RecQ like helicase; minus strand). Cytogenetic location: 12p12.1.
Variant type: single nucleotide variant.
Coding change: c.1474T>A on transcript NM_002907.4 (MANE Select); coding-DNA position 1474, T replaced by A.
Protein change: p.Tyr492Asn; replaces tyrosine 492 with asparagine.
Molecular consequence: missense variant.
Genome position (GRCh38, 1-based): chr12:21,471,621, A>T on the plus strand (T>A on the coding strand, the complement: RECQL is on the minus strand). VCF-style: chr12-21471621-A-T. GRCh37 (hg19) VCF-style: chr12-21624555-A-T.
Other names: c.1474T>A, p.Tyr492Asn (NM_032941.3); short protein forms Y492N.
Identifiers: ClinVar variation 2450993 (VCV002450993.2), dbSNP rs2540322522, ClinGen allele CA384116343.
Genomic context (GRCh38, chr12:21,471,621, plus strand): 5'-GAGTGAGTTTTTCATTCAGTTCCTCTGCCTGCTTCAGGATCTTGATTAGATCTCTGCAGT[A>T]CTCTGTTATGTTCTTTCTTTCAAATGCTGTAATAAAACAAATATGGTAGCAGGTAATTAG-3'
Protein context (NP_002898.2, residues 482-502): SAFERKNITE[Tyr492Asn]CRDLIKILKQ

ClinVar aggregate classification (germline): Uncertain significance (1 of 4 stars; one submission).

Submission:

Ambry Genetics
Classification: Uncertain significance. Last evaluated: 2023-03-06. Review status: criteria provided, single submitter. Criteria: Ambry Variant Classification Scheme 2023. Collection method: clinical testing. Allele origin: germline.
Comment: The p.Y492N variant (also known as c.1474T>A), located in coding exon 12 of the RECQL gene, results from a T to A substitution at nucleotide position 1474. The tyrosine at codon 492 is replaced by asparagine, an amino acid with dissimilar properties. This amino acid position is conserved. In addition, this alteration is predicted to be tolerated by in silico analysis. Since supporting evidence is limited at this time, the clinical significance of this alteration remains unclear.